The following is an entry in ClinVar:

ClinVar aggregate classification (germline): Conflicting classifications of pathogenicity. Review status: criteria provided, conflicting classifications (1 of 4 stars). 3 submissions from 3 submitters: Uncertain significance (2); Likely benign (1). Last evaluated 2025-07-16.

Conditions:
Acute myeloid leukemia (AML). Also called: Acute myeloid leukemia, adult; AML adult; Acute non-lymphocytic leukemia; Acute granulocytic leukemia; Leukemia, acute myelogenous, somatic; Leukemia, acute myeloid, somatic. Identifiers: Orphanet 519, MedGen C0023467, MeSH D015470, MONDO:0018874, OMIM 601626, HP:0004808. Disease mechanism: Constitutively activated FLT3.
Inborn genetic diseases. Identifiers: MedGen C0950123, MeSH D030342.

Submissions (3):

Ambry Genetics
Classification: Likely benign for Inborn genetic diseases. Last evaluated: 2025-07-16. Review status: criteria provided, single submitter. Criteria: Ambry Variant Classification Scheme 2023. Collection method: clinical testing. Allele origin: germline.

Baylor Genetics
Classification: Uncertain significance for Acute myeloid leukemia. Last evaluated: 2023-08-23. Review status: criteria provided, single submitter. Criteria: ACMG Guidelines, 2015. Collection method: clinical testing. Allele origin: unknown.

Labcorp Genetics (formerly Invitae), Labcorp
Classification: Uncertain significance for Acute myeloid leukemia. Last evaluated: 2023-02-20. Review status: criteria provided, single submitter. Criteria: Invitae Variant Classification Sherloc (09022015). Collection method: clinical testing. Allele origin: germline.
Comment: Advanced modeling of protein sequence and biophysical properties (such as structural, functional, and spatial information, amino acid conservation, physicochemical variation, residue mobility, and thermodynamic stability) performed at Invitae indicates that this missense variant is not expected to disrupt CEBPA protein function. This variant has not been reported in the literature in individuals affected with CEBPA-related conditions. This variant is not present in population databases (gnomAD no frequency). This sequence change replaces alanine, which is neutral and non-polar, with valine, which is neutral and non-polar, at codon 240 of the CEBPA protein (p.Ala240Val). In summary, the available evidence is currently insufficient to determine the role of this variant in disease. Therefore, it has been classified as a Variant of Uncertain Significance.

NM_004364.5(CEBPA):c.719C>T (p.Ala240Val)

Gene: CEBPA (CCAAT enhancer binding protein alpha; minus strand). Cytogenetic location: 19q13.11.
Variant type: single nucleotide variant.
Coding change: c.719C>T on transcript NM_004364.5 (MANE Select); coding-DNA position 719, C replaced by T.
Protein change: p.Ala240Val; replaces alanine 240 with valine.
Molecular consequence: missense variant.
Genome position (GRCh38, 1-based): chr19:33,301,696, G>A on the plus strand (C>T on the coding strand, the complement: CEBPA is on the minus strand). VCF-style: chr19-33301696-G-A. GRCh37 (hg19) VCF-style: chr19-33792602-G-A.
Other names: c.362C>T, p.Ala121Val (NM_001285829.2); c.824C>T, p.Ala275Val (NM_001287424.2); c.677C>T, p.Ala226Val (NM_001287435.2); short protein forms A121V, A226V, A240V, A275V.
Identifiers: ClinVar variation 2680560 (VCV002680560.5), dbSNP rs2513329489, ClinGen allele CA405274349.